The following is an entry in ClinVar:

ClinVar aggregate classification (germline): Uncertain significance (1 of 4 stars; one submission).

Conditions:
Primary ciliary dyskinesia. Also called: Ciliary dyskinesia. Identifiers: Orphanet 244, MedGen C0008780, MONDO:0016575, HP:0012265.

Allele frequency attached by ClinVar (database versions not stated): gnomAD 0.00001; gnomAD exomes 0.00001; ExAC 0.00002.
gnomAD v4.1: 11 of 1,607,728 alleles (0.00068%); highest among the groups gnomAD compares: Non-Finnish European, 0.00094%; no homozygotes.

Submission:

Labcorp Genetics (formerly Invitae), Labcorp
Classification: Uncertain significance for Primary ciliary dyskinesia. Last evaluated: 2022-07-26. Review status: criteria provided, single submitter. Criteria: Invitae Variant Classification Sherloc (09022015). Collection method: clinical testing. Allele origin: germline.
Comment: This sequence change replaces isoleucine, which is neutral and non-polar, with threonine, which is neutral and polar, at codon 1432 of the DNAH5 protein (p.Ile1432Thr). This variant is present in population databases (rs753029826, gnomAD 0.002%). This variant has not been reported in the literature in individuals affected with DNAH5-related conditions. ClinVar contains an entry for this variant (Variation ID: 1382812). Advanced modeling of protein sequence and biophysical properties (such as structural, functional, and spatial information, amino acid conservation, physicochemical variation, residue mobility, and thermodynamic stability) performed at Invitae indicates that this missense variant is not expected to disrupt DNAH5 protein function. In summary, the available evidence is currently insufficient to determine the role of this variant in disease. Therefore, it has been classified as a Variant of Uncertain Significance.

NM_001369.3(DNAH5):c.4295T>C (p.Ile1432Thr)

Genes: DNAH5-AS1 (DNAH5 antisense RNA 1; plus strand), DNAH5 (dynein axonemal heavy chain 5; minus strand). Cytogenetic location: 5p15.2.
Variant type: single nucleotide variant.
Coding change: c.4295T>C on transcript NM_001369.3 (MANE Select); coding-DNA position 4295, T replaced by C.
Protein change: p.Ile1432Thr; replaces isoleucine 1432 with threonine.
Molecular consequence: missense variant.
Genome position (GRCh38, 1-based): chr5:13,865,728, A>G on the plus strand (T>C on the coding strand, the complement: DNAH5 is on the minus strand). VCF-style: chr5-13865728-A-G. GRCh37 (hg19) VCF-style: chr5-13865837-A-G.
Other names: short protein forms I1432T.
Identifiers: ClinVar variation 1382812 (VCV001382812.5), dbSNP rs753029826, ClinGen allele CA3204025.